The following is an entry in ClinVar:

ClinVar aggregate classification (germline): Benign (1 of 4 stars; one submission).

Allele frequency attached by ClinVar (database versions not stated): 1000 Genomes Project 30x 0.08401; 1000 Genomes Project 0.08726; TOPMed 0.13650; gnomAD 0.14794 and 0.15029.
gnomAD v4.1: 22,605 of 152,182 alleles (15%); highest among the groups gnomAD compares: Non-Finnish European, 22%; 2,239 homozygotes.

Submission:

GeneDx
Classification: Benign. Last evaluated: 2018-06-14. Review status: criteria provided, single submitter. Criteria: GeneDx Variant Classification (06012015). Collection method: clinical testing. Allele origin: germline. Affected: yes.
Comment: This variant is considered likely benign or benign based on one or more of the following criteria: it is a conservative change, it occurs at a poorly conserved position in the protein, it is predicted to be benign by multiple in silico algorithms, and/or has population frequency not consistent with disease.

NM_001005361.3(DNM2):c.2058+262A>G

Gene: DNM2 (dynamin 2; plus strand). Cytogenetic location: 19p13.2.
Variant type: single nucleotide variant.
Coding change: c.2058+262A>G on transcript NM_001005361.3 (MANE Select); 262 bases into the intron after coding-DNA position 2058, A replaced by G.
Molecular consequence: intron variant.
Genome position (GRCh38, 1-based): chr19:10,825,483, A>G. VCF-style: chr19-10825483-A-G. GRCh37 (hg19) VCF-style: chr19-10936159-A-G.
Other names: c.2058+262A>G (NM_001005360.3, NM_001190716.2); c.2046+262A>G (NM_004945.4, NM_001005362.3).
Identifiers: ClinVar variation 680618 (VCV000680618.1), dbSNP rs12973986, ClinGen allele CA14739048.